The following is an entry in ClinVar:

NM_015354.3(NUP188):c.2917C>T (p.Arg973Ter)

Gene: NUP188 (nucleoporin 188; plus strand). Cytogenetic location: 9q34.11.
Variant type: single nucleotide variant.
Coding change: c.2917C>T on transcript NM_015354.3 (MANE Select); coding-DNA position 2917, C replaced by T.
Protein change: p.Arg973Ter; replaces arginine 973 with a stop codon.
Molecular consequence: nonsense.
Genome position (GRCh38, 1-based): chr9:128,993,594, C>T. VCF-style: chr9-128993594-C-T. GRCh37 (hg19) VCF-style: chr9-131755873-C-T.
Other names: short protein forms R973*.
Identifiers: ClinVar variation 5001039 (VCV005001039.1).

ClinVar aggregate classification (germline): Likely pathogenic (1 of 4 stars; one submission).

Conditions:
NUP188-related disorder. Also called: NUP188-related condition.

gnomAD v4.1: 2 of 1,614,040 alleles (0.00012%); highest among the groups gnomAD compares: Non-Finnish European, 0.00017%; no homozygotes.

Submission:

PreventionGenetics, part of Exact Sciences
Classification: Likely pathogenic for NUP188-related condition. Last evaluated: 2024-11-19. Review status: criteria provided, single submitter. Criteria: ACMG Guidelines, 2015. Collection method: clinical testing. Allele origin: germline.
Comment: The NUP188 c.2917C>T variant is predicted to result in premature protein termination (p.Arg973*). To our knowledge, this variant has not been reported in the literature. This variant is reported in 0.00088% of alleles in individuals of European (Non-Finnish) descent in gnomAD. Nonsense variants in NUP188 are expected to be pathogenic. This variant is interpreted as likely pathogenic.